The following is an entry in ClinVar:

NM_032131.6(ARMC2):c.1314T>C (p.Gly438=)

Genes: ARMC2 (armadillo repeat containing 2; plus strand), ARMC2-AS1 (ARMC2 antisense RNA 1; minus strand). Cytogenetic location: 6q21.
Variant type: single nucleotide variant.
Coding change: c.1314T>C on transcript NM_032131.6 (MANE Select); coding-DNA position 1314, T replaced by C.
Protein change: p.Gly438=; no amino-acid change (glycine 438 retained).
Molecular consequence: synonymous variant.
Genome position (GRCh38, 1-based): chr6:108,912,522, T>C. VCF-style: chr6-108912522-T-C. GRCh37 (hg19) VCF-style: chr6-109233725-T-C.
Other names: c.819T>C, p.Gly273= (NM_001286609.2).
Identifiers: ClinVar variation 3056566 (VCV003056566.2), dbSNP rs11153136, ClinGen allele CA3949874.

ClinVar aggregate classification (germline): Benign (0 of 4 stars; one submission).

Conditions:
ARMC2-related disorder. Also called: ARMC2-related condition.

Allele frequency attached by ClinVar (database versions not stated): ESP Exome Variant Server 0.02207; gnomAD exomes 0.03412; TOPMed 0.03725; gnomAD 0.03738; ExAC 0.05744; 1000 Genomes Project 30x 0.08385; 1000 Genomes Project 0.08586.
gnomAD v4.1: 55,828 of 1,613,896 alleles (3.5%); highest among the groups gnomAD compares: East Asian, 21%; 2,518 homozygotes.

Submission:

PreventionGenetics, part of Exact Sciences
Classification: Benign for ARMC2-related condition. Last evaluated: 2019-11-11. Review status: no assertion criteria provided. Collection method: clinical testing. Allele origin: germline.
Comment: This variant is classified as benign based on ACMG/AMP sequence variant interpretation guidelines (Richards et al. 2015 PMID: 25741868, with internal and published modifications).